The following is an entry in ClinVar:

ClinVar aggregate classification (germline): Uncertain significance (1 of 4 stars; one submission).

Submission:

Labcorp Genetics (formerly Invitae), Labcorp
Classification: Uncertain significance. Last evaluated: 2022-11-14. Review status: criteria provided, single submitter. Criteria: Invitae Variant Classification Sherloc (09022015). Collection method: clinical testing. Allele origin: germline.
Comment: In summary, the available evidence is currently insufficient to determine the role of this variant in disease. Therefore, it has been classified as a Variant of Uncertain Significance. Algorithms developed to predict the effect of missense changes on protein structure and function are either unavailable or do not agree on the potential impact of this missense change (SIFT: "Deleterious"; PolyPhen-2: "Probably Damaging"; Align-GVGD: "Class C0"). ClinVar contains an entry for this variant (Variation ID: 1388732). This variant has not been reported in the literature in individuals affected with ASPM-related conditions. This variant is not present in population databases (gnomAD no frequency). This sequence change replaces alanine, which is neutral and non-polar, with proline, which is neutral and non-polar, at codon 3386 of the ASPM protein (p.Ala3386Pro).

NM_018136.5(ASPM):c.10156G>C (p.Ala3386Pro)

Gene: ASPM (assembly factor for spindle microtubules; minus strand). Cytogenetic location: 1q31.3.
Variant type: single nucleotide variant.
Coding change: c.10156G>C on transcript NM_018136.5 (MANE Select); coding-DNA position 10156, G replaced by C.
Protein change: p.Ala3386Pro; replaces alanine 3386 with proline.
Molecular consequence: missense variant.
Genome position (GRCh38, 1-based): chr1:197,088,261, C>G on the plus strand (G>C on the coding strand, the complement: ASPM is on the minus strand). VCF-style: chr1-197088261-C-G. GRCh37 (hg19) VCF-style: chr1-197057391-C-G.
Other names: c.5401G>C, p.Ala1801Pro (NM_001206846.2); short protein forms A3386P, A1801P.
Identifiers: ClinVar variation 1388732 (VCV001388732.6), dbSNP rs1388514465, ClinGen allele CA343997247.
Genomic context (GRCh38, chr1:197,088,261, plus strand): 5'-AGACTTAAGACCACAGAAAAATAATCTTAAAGAAAGGCAACTGACTAATACTTACAGAGG[C>G]TCTATTTGTTGTCTTCAGTAAAATAGCCAACAAACAACAAGTTTTTGTAAAAATGCTTCC-3'
Protein context (NP_060606.3, residues 3376-3396): LAILLKTTNR[Ala3386Pro]SDVRSRSKVV